The following is an entry in ClinVar:

NM_001614.5(ACTG1):c.696C>T (p.Ser232=)

Gene: ACTG1 (actin gamma 1; minus strand). Cytogenetic location: 17q25.3.
Variant type: single nucleotide variant.
Coding change: c.696C>T on transcript NM_001614.5 (MANE Select); coding-DNA position 696, C replaced by T.
Protein change: p.Ser232=; no amino-acid change (serine 232 retained).
Molecular consequence: synonymous variant. On other transcripts: non-coding transcript variant (1).
Genome position (GRCh38, 1-based): chr17:81,511,294, G>A on the plus strand (C>T on the coding strand, the complement: ACTG1 is on the minus strand). VCF-style: chr17-81511294-G-A. GRCh37 (hg19) VCF-style: chr17-79478320-G-A.
Other names: c.696C>T, p.Ser232= (NM_001199954.3).
Identifiers: ClinVar variation 505410 (VCV000505410.22), dbSNP rs202155328, ClinGen allele CA8836013.

ClinVar aggregate classification (germline): Likely benign. Review status: criteria provided, multiple submitters, no conflicts (2 of 4 stars). 6 submissions from 6 submitters: Likely benign (6). Last evaluated 2025-11-25.

Conditions:
Autosomal dominant nonsyndromic hearing loss 20. Identifiers: Orphanet 90635, MedGen C1858172, MONDO:0011480, OMIM 604717.
Baraitser-winter syndrome 2. Identifiers: Orphanet 2995, MedGen C3281235, MONDO:0013812, OMIM 614583.
ACTG1-related disorder. Also called: ACTG1-related disorders; ACTG1-related condition.

Allele frequency attached by ClinVar (database versions not stated): gnomAD 0.00003; TOPMed 0.00014.
gnomAD v4.1: 234 of 1,613,696 alleles (0.015%); highest among the groups gnomAD compares: Admixed American, 0.037%; no homozygotes.

Submissions (6):

Labcorp Genetics (formerly Invitae), Labcorp
Classification: Likely benign for Baraitser-winter syndrome 2; Autosomal dominant nonsyndromic hearing loss 20. Last evaluated: 2025-11-25. Review status: criteria provided, single submitter. Criteria: Invitae Variant Classification Sherloc (09022015). Collection method: clinical testing. Allele origin: germline.

CeGaT Center for Human Genetics Tuebingen
Classification: Likely benign. Last evaluated: 2025-09-01. Review status: criteria provided, single submitter. Criteria: CeGaT Center For Human Genetics Tuebingen Variant Classification Criteria Version 2. Collection method: clinical testing. Allele origin: germline. Affected: yes. Observed: 1 variant allele.
Comment: ACTG1: BP4, BP7

PreventionGenetics, part of Exact Sciences
Classification: Likely benign for ACTG1-related condition. Last evaluated: 2024-11-24. Review status: criteria provided, single submitter. Criteria: ACMG Guidelines, 2015. Collection method: clinical testing. Allele origin: germline.
Comment: This variant is classified as likely benign based on ACMG/AMP sequence variant interpretation guidelines (Richards et al. 2015 PMID: 25741868, with internal and published modifications).

Blueprint Genetics
Classification: Likely benign. Last evaluated: 2024-10-30. Review status: criteria provided, single submitter. Criteria: ACMG Guidelines, 2015. Collection method: clinical testing. Allele origin: germline.

GeneDx
Classification: Likely benign. Last evaluated: 2020-03-18. Review status: criteria provided, single submitter. Criteria: GeneDx Variant Classification Process June 2021. Collection method: clinical testing. Allele origin: germline. Affected: yes.

Laboratory for Molecular Medicine, Mass General Brigham Personalized Medicine
Classification: Likely benign. Last evaluated: 2016-11-19. Review status: criteria provided, single submitter. Criteria: LMM Criteria. Collection method: clinical testing. Allele origin: germline. Observed: 1 variant allele.
Comment: p.Ser232Ser in exon 4 of ACTG1: This variant is not expected to have clinical si gnificance because it does not alter an amino acid residue and is not located wi thin the splice consensus sequence. It has been identified in 17/65146 European chromosomes by the Exome Aggregation Consortium (ExAC; dbSNP rs202155328).